The following is an entry in ClinVar:

ClinVar aggregate classification (germline): Uncertain significance (1 of 4 stars; one submission).

Conditions:
Developmental and epileptic encephalopathy, 9 (DEE9). Also called: JUBERG-HELLMAN SYNDROME; Early infantile epileptic encephalopathy 9; EPILEPSY, FEMALE-RESTRICTED, WITH MENTAL RETARDATION; PCDH19-Related X-Linked Female-Limited Epilepsy with Mental Retardation. Identifiers: Orphanet 101039, Orphanet 2076, MedGen C1848137, MONDO:0010246, OMIM 300088. Disease mechanism: loss of function.

Submission:

Labcorp Genetics (formerly Invitae), Labcorp
Classification: Uncertain significance for Developmental and epileptic encephalopathy, 9. Last evaluated: 2022-09-29. Review status: criteria provided, single submitter. Criteria: Invitae Variant Classification Sherloc (09022015). Collection method: clinical testing. Allele origin: germline.
Comment: Advanced modeling of protein sequence and biophysical properties (such as structural, functional, and spatial information, amino acid conservation, physicochemical variation, residue mobility, and thermodynamic stability) performed at Invitae indicates that this missense variant is not expected to disrupt PCDH19 protein function. In summary, the available evidence is currently insufficient to determine the role of this variant in disease. Therefore, it has been classified as a Variant of Uncertain Significance. This variant has not been reported in the literature in individuals affected with PCDH19-related conditions. This variant is not present in population databases (gnomAD no frequency). This sequence change replaces arginine, which is basic and polar, with leucine, which is neutral and non-polar, at codon 47 of the PCDH19 protein (p.Arg47Leu).

NM_001184880.2(PCDH19):c.140G>T (p.Arg47Leu)

Gene: PCDH19 (protocadherin 19; minus strand). Cytogenetic location: Xq22.1.
Variant type: single nucleotide variant.
Coding change: c.140G>T on transcript NM_001184880.2 (MANE Select); coding-DNA position 140, G replaced by T.
Protein change: p.Arg47Leu; replaces arginine 47 with leucine.
Molecular consequence: missense variant.
Genome position (GRCh38, 1-based): chrX:100,408,458, C>A on the plus strand (G>T on the coding strand, the complement: PCDH19 is on the minus strand). VCF-style: chrX-100408458-C-A. GRCh37 (hg19) VCF-style: chrX-99663456-C-A.
Other names: c.140G>T, p.Arg47Leu (NM_001105243.2, NM_020766.3); short protein forms R47L.
Identifiers: ClinVar variation 2101841 (VCV002101841.4), dbSNP rs2520998053, ClinGen allele CA414011289.